The following is an entry in ClinVar:

ClinVar aggregate classification (germline): Likely benign (1 of 4 stars; one submission).

Submission:

CeGaT Center for Human Genetics Tuebingen
Classification: Likely benign. Last evaluated: 2026-07-01. Review status: criteria provided, single submitter. Criteria: CeGaT Center For Human Genetics Tuebingen Variant Classification Criteria Version 2. Collection method: clinical testing. Allele origin: germline. Affected: yes. Observed: 1 variant allele.
Comment: FAM90A24: BP4, BP7

NM_001423530.1(FAM90A24):c.126C>A (p.Leu42=)

Gene: FAM90A24 (family with sequence similarity 90 member A24; minus strand). Cytogenetic location: 8p23.1.
Variant type: single nucleotide variant.
Coding change: c.126C>A on transcript NM_001423530.1 (MANE Select); coding-DNA position 126, C replaced by A.
Protein change: p.Leu42=; no amino-acid change (leucine 42 retained).
Molecular consequence: synonymous variant.
Genome position (GRCh38, 1-based): chr8:8,022,379, G>T on the plus strand (C>A on the coding strand, the complement: FAM90A24 is on the minus strand). VCF-style: chr8-8022379-G-T. GRCh37 (hg19) VCF-style: chr8-7879901-G-T.
Identifiers: ClinVar variation 4874237 (VCV004874237.2).
Genomic context (GRCh38, chr8:8,022,379, plus strand): 5'-CTTCATGGGGCACCTGGTACTTCTGGCCGTGTGGCCAAAGGCCCCGCAGTTTTTGCACTT[G>T]AGCTGTGGGTGGAAAGGAAGTGATGTCAGTGAGTGAGCTGAAGCCACAGGCAGCGATCCC-3'
Protein context (NP_001410459.1, residues 32-52): APPPDEEDPR[Leu42=]KCKNCGAFGH